The following is an entry in ClinVar:

NM_007325.5(GRIA3):c.1300C>A (p.Pro434Thr)

Gene: GRIA3 (glutamate ionotropic receptor AMPA type subunit 3; plus strand). Cytogenetic location: Xq25.
Variant type: single nucleotide variant.
Coding change: c.1300C>A on transcript NM_007325.5 (MANE Select); coding-DNA position 1300, C replaced by A.
Protein change: p.Pro434Thr; replaces proline 434 with threonine.
Molecular consequence: missense variant.
Genome position (GRCh38, 1-based): chrX:123,404,714, C>A. VCF-style: chrX-123404714-C-A. GRCh37 (hg19) VCF-style: chrX-122538565-C-A.
Other names: c.1300C>A, p.Pro434Thr (NM_000828.5); short protein forms P434T.
Identifiers: ClinVar variation 4884735 (VCV004884735.1).

ClinVar aggregate classification (germline): Uncertain significance (0 of 4 stars; one submission).

Conditions:
Syndromic X-linked intellectual disability 94 (MRXSW). Also called: X-linked intellectual disability due to GRIA3 anomalies; MENTAL RETARDATION, X-LINKED, SYNDROMIC 29. Identifiers: Orphanet 364028, MedGen C2678051, MONDO:0010402, OMIM 300699.

Submission:

Department of Rehabilitation, Children's Hospital of Nanjing Medical University
Classification: Uncertain significance for Syndromic X-linked intellectual disability 94. Last evaluated: 2024-03-25. Review status: no assertion criteria provided. Collection method: clinical testing. Allele origin: germline. Affected: yes.
Comment: PM2_Supporting, PM6, PP2, PP3